The following is an entry in ClinVar:

ClinVar aggregate classification (germline): Uncertain significance. Review status: criteria provided, multiple submitters, no conflicts (2 of 4 stars). 3 submissions from 3 submitters: Uncertain significance (3). Last evaluated 2024-02-17.

Allele frequency attached by ClinVar (database versions not stated): gnomAD exomes below 0.00001.
gnomAD v4.1: 4 of 1,551,014 alleles (0.00026%); highest among the groups gnomAD compares: Non-Finnish European, 0.00035%; no homozygotes.

Submissions (3):

Labcorp Genetics (formerly Invitae), Labcorp
Classification: Uncertain significance. Last evaluated: 2024-02-17. Review status: criteria provided, single submitter. Criteria: Invitae Variant Classification Sherloc (09022015). Collection method: clinical testing. Allele origin: germline.
Comment: This sequence change replaces tryptophan, which is neutral and slightly polar, with arginine, which is basic and polar, at codon 3044 of the EYS protein (p.Trp3044Arg). This variant is not present in population databases (gnomAD no frequency). This variant has not been reported in the literature in individuals affected with EYS-related conditions. ClinVar contains an entry for this variant (Variation ID: 500883). Algorithms developed to predict the effect of missense changes on protein structure and function output the following: SIFT: "Not Available"; PolyPhen-2: "Benign"; Align-GVGD: "Not Available". The arginine amino acid residue is found in multiple mammalian species, which suggests that this missense change does not adversely affect protein function. In summary, the available evidence is currently insufficient to determine the role of this variant in disease. Therefore, it has been classified as a Variant of Uncertain Significance.

Blueprint Genetics
Classification: Uncertain significance. Last evaluated: 2020-03-31. Review status: criteria provided, single submitter. Criteria: ACMG Guidelines, 2015. Collection method: clinical testing. Allele origin: germline.

Eurofins Ntd Llc (ga)
Classification: Uncertain significance. Last evaluated: 2017-03-21. Review status: criteria provided, single submitter. Criteria: EGL Classification Definitions 2015. Collection method: clinical testing. Allele origin: germline. Observed: 1 variant allele, 1 heterozygote.

NM_001142800.2(EYS):c.9130T>C (p.Trp3044Arg)

Genes: EYS (EGF-like photoreceptor maintenance factor; minus strand), PHF3 (PHD finger protein 3; plus strand). Cytogenetic location: 6q12.
Variant type: single nucleotide variant.
Coding change: c.9130T>C on transcript NM_001142800.2 (MANE Select); coding-DNA position 9130, T replaced by C.
Protein change: p.Trp3044Arg; replaces tryptophan 3044 with arginine.
Molecular consequence: missense variant. On other transcripts: 3 prime UTR variant (5).
Genome position (GRCh38, 1-based): chr6:63,720,901, A>G on the plus strand (T>C on the coding strand, the complement: EYS is on the minus strand). VCF-style: chr6-63720901-A-G. GRCh37 (hg19) VCF-style: chr6-64430797-A-G.
Other names: c.*7193A>G (NM_001290259.2, NM_001370348.2, NM_001370349.2 and 2 more transcripts); c.9193T>C, p.Trp3065Arg (NM_001292009.2); short protein forms W3044R, W3065R.
Identifiers: ClinVar variation 500883 (VCV000500883.9), dbSNP rs1554163866, ClinGen allele CA364383187.